The following is an entry in ClinVar:

NM_033380.3(COL4A5):c.3605G>T (p.Gly1202Val)

Gene: COL4A5 (collagen type IV alpha 5 chain; plus strand). Cytogenetic location: Xq22.3.
Variant type: single nucleotide variant.
Coding change: c.3605G>T on transcript NM_033380.3 (MANE Select); coding-DNA position 3605, G replaced by T.
Protein change: p.Gly1202Val; replaces glycine 1202 with valine.
Molecular consequence: missense variant.
Genome position (GRCh38, 1-based): chrX:108,668,319, G>T. VCF-style: chrX-108668319-G-T. GRCh37 (hg19) VCF-style: chrX-107911549-G-T.
Other names: c.3605G>T, p.Gly1202Val (NM_000495.5); short protein forms G1202V.
Identifiers: ClinVar variation 938543 (VCV000938543.9), dbSNP rs2068126366, ClinGen allele CA413848323.
Genomic context (GRCh38, chrX:108,668,319, plus strand): 5'-CTTATAAGCAAGCTTGTAACTCGGTATTATTTATCTTCTAATTATACTTTACTTTCATAG[G>T]CCAAAAGGGTGATGGAGGATTACCTGGGATTCCAGGAAATCCTGGCCTTCCAGGTCCAAA-3'
Protein context (NP_203699.1, residues 1192-1212): PGPPGLPGLS[Gly1202Val]QKGDGGLPGI

ClinVar aggregate classification (germline): Likely pathogenic (1 of 4 stars; one submission).

Submission:

Labcorp Genetics (formerly Invitae), Labcorp
Classification: Likely pathogenic. Last evaluated: 2019-10-16. Review status: criteria provided, single submitter. Criteria: Invitae Variant Classification Sherloc (09022015). Collection method: clinical testing. Allele origin: germline.
Comment: Glycine residues within the Gly-Xaa-Yaa repeats of the triple helix domain are required for the structure and stability of fibrillar collagens (PMID: 7695699, 8218237, 19344236). In COL4A5, missense variants at these glycine residues are significantly enriched in individuals with disease (PMID: 23720012, 27627812) compared to the general population (ExAC). In summary, the currently available evidence indicates that the variant is pathogenic, but additional data are needed to prove that conclusively. Therefore, this variant has been classified as Likely Pathogenic. Algorithms developed to predict the effect of sequence changes on RNA splicing suggest that this variant may disrupt the consensus splice site, but this prediction has not been confirmed by published transcriptional studies. This variant has not been reported in the literature in individuals with COL4A5-related conditions. This variant is not present in population databases (ExAC no frequency). This sequence change replaces glycine with valine at codon 1202 of the COL4A5 protein (p.Gly1202Val). The glycine residue is highly conserved and there is a moderate physicochemical difference between glycine and valine.

Literature cited by the submitters: PubMed 7695699; PubMed 8218237; PubMed 19344236; PubMed 23720012; PubMed 27627812.